The following is an entry in ClinVar:

ClinVar aggregate classification (germline): Uncertain significance (1 of 4 stars; one submission).

Allele frequency attached by ClinVar (database versions not stated): TOPMed below 0.00001; gnomAD exomes 0.00001.
gnomAD v4.1: 19 of 1,614,196 alleles (0.0012%); highest among the groups gnomAD compares: Non-Finnish European, 0.0016%; no homozygotes.

Submission:

Labcorp Genetics (formerly Invitae), Labcorp
Classification: Uncertain significance. Last evaluated: 2022-06-24. Review status: criteria provided, single submitter. Criteria: Invitae Variant Classification Sherloc (09022015). Collection method: clinical testing. Allele origin: germline.
Comment: This sequence change replaces phenylalanine, which is neutral and non-polar, with valine, which is neutral and non-polar, at codon 276 of the TNFRSF11A protein (p.Phe276Val). In summary, the available evidence is currently insufficient to determine the role of this variant in disease. Therefore, it has been classified as a Variant of Uncertain Significance. Algorithms developed to predict the effect of missense changes on protein structure and function (SIFT, PolyPhen-2, Align-GVGD) all suggest that this variant is likely to be tolerated. This variant has not been reported in the literature in individuals affected with TNFRSF11A-related conditions. This variant is present in population databases (no rsID available, gnomAD 0.002%).

NM_003839.4(TNFRSF11A):c.826T>G (p.Phe276Val)

Gene: TNFRSF11A (TNF receptor superfamily member 11a; plus strand). Cytogenetic location: 18q21.33.
Variant type: single nucleotide variant.
Coding change: c.826T>G on transcript NM_003839.4 (MANE Select); coding-DNA position 826, T replaced by G.
Protein change: p.Phe276Val; replaces phenylalanine 276 with valine.
Molecular consequence: missense variant. On other transcripts: intron variant (3).
Genome position (GRCh38, 1-based): chr18:62,368,743, T>G. VCF-style: chr18-62368743-T-G. GRCh37 (hg19) VCF-style: chr18-60035976-T-G.
Other names: c.784T>G, p.Phe262Val (NM_001278268.2); c.783+1983T>G (NM_001270949.2); c.730+6950T>G (NM_001270950.2); c.616+8694T>G (NM_001270951.2); short protein forms F276V, F262V.
Identifiers: ClinVar variation 2170000 (VCV002170000.4), dbSNP rs1410020569, ClinGen allele CA402615924.